The following is an entry in ClinVar:

NM_004463.3(FGD1):c.577C>T (p.Arg193Ter)

Gene: FGD1 (FYVE, RhoGEF and PH domain containing 1; minus strand). Cytogenetic location: Xp11.22.
Variant type: single nucleotide variant.
Coding change: c.577C>T on transcript NM_004463.3 (MANE Select); coding-DNA position 577, C replaced by T.
Protein change: p.Arg193Ter; replaces arginine 193 with a stop codon.
Molecular consequence: nonsense.
Genome position (GRCh38, 1-based): chrX:54,470,665, G>A on the plus strand (C>T on the coding strand, the complement: FGD1 is on the minus strand). VCF-style: chrX-54470665-G-A. GRCh37 (hg19) VCF-style: chrX-54497098-G-A.
Other names: short protein forms R193*.
Identifiers: ClinVar variation 496830 (VCV000496830.18), dbSNP rs1557189664, ClinGen allele CA413249456.

ClinVar aggregate classification (germline): Pathogenic/Likely pathogenic. Review status: criteria provided, multiple submitters, no conflicts (2 of 4 stars). 6 submissions from 6 submitters: Pathogenic (4); Likely pathogenic (2). Last evaluated 2025-10-03.

Conditions:
FGD1-related disorder. Also called: FGD1-related condition; FGD1-related disorders.
Aarskog syndrome (AAS). Also called: FGD1-Related Faciogenital Dysplasia (Aarskog-Scott Syndrome); Aarskog Scott syndrome; Aarskog disease; Aarskog-Scott syndrome, X-linked; FGDY. Identifiers: Orphanet 915, MedGen C0175701, MONDO:0010589, OMIM 305400.

Submissions (6):

PreventionGenetics, part of Exact Sciences
Classification: Pathogenic for FGD1-related condition. Last evaluated: 2025-10-03. Review status: criteria provided, single submitter. Criteria: ACMG Guidelines, 2015. Collection method: clinical testing. Allele origin: germline.
Comment: The FGD1 c.577C>T variant is predicted to result in premature protein termination (p.Arg193*). To our knowledge, this variant has not been reported in the literature or in a large population database, indicating this variant is rare. At PreventionGenetics, this variant has been reported in several individuals with FGD1-related disease. Nonsense variants in FGD1 are expected to be pathogenic. This variant is interpreted as pathogenic.

Genomic Medicine Center of Excellence, King Faisal Specialist Hospital and Research Centre
Classification: Likely pathogenic for Aarskog syndrome. Last evaluated: 2025-09-10. Review status: criteria provided, single submitter. Criteria: ACMG Guidelines, 2015. Collection method: clinical testing. Allele origin: germline.

GeneDx
Classification: Pathogenic. Last evaluated: 2024-08-01. Review status: criteria provided, single submitter. Criteria: GeneDx Variant Classification Process June 2021. Collection method: clinical testing. Allele origin: germline. Affected: yes.
Comment: Nonsense variant predicted to result in protein truncation or nonsense mediated decay in a gene for which loss-of-function is a known mechanism of disease; Has not been previously published as pathogenic or benign to our knowledge

Labcorp Genetics (formerly Invitae), Labcorp
Classification: Pathogenic. Last evaluated: 2022-07-21. Review status: criteria provided, single submitter. Criteria: Invitae Variant Classification Sherloc (09022015). Collection method: clinical testing. Allele origin: germline.
Comment: For these reasons, this variant has been classified as Pathogenic. ClinVar contains an entry for this variant (Variation ID: 496830). This variant has not been reported in the literature in individuals affected with FGD1-related conditions. This variant is not present in population databases (gnomAD no frequency). This sequence change creates a premature translational stop signal (p.Arg193*) in the FGD1 gene. It is expected to result in an absent or disrupted protein product. Loss-of-function variants in FGD1 are known to be pathogenic (PMID: 21739585, 23211637, 25046119, 26029706).

Eurofins Ntd Llc (ga)
Classification: Pathogenic. Last evaluated: 2016-11-02. Review status: criteria provided, single submitter. Criteria: EGL Classification Definitions 2015. Collection method: clinical testing. Allele origin: germline. Observed: 2 variant alleles, 2 hemizygotes.

Molecular Genetics Department, Kulakov National Medical Research Center for Obstetrics, Gynecology and Perinatology
Classification: Likely pathogenic for Aarskog syndrome. Review status: criteria provided, single submitter. Criteria: ACMG Guidelines, 2015. Collection method: clinical testing. Allele origin: germline. Affected: yes. Observed: 1 variant allele.
Comment: A previously undescribed hemizygous nucleotide variant creates a premature translation stop signal p.Arg193Ter in the FGD1 gene (rs1557189664). Hemizygous variants are reported in patients with Aarskog-Scott syndrome, 305400. The variant frequency in population database gnomAD is 0.00008%. In summary, the currently available evidence indicates that the variant is pathogenic, but additional data are needed to prove that conclusively. Therefore, this variant has been classified as likely pathogenic.

Literature cited by the submitters: PubMed 21739585 (cited by Labcorp Genetics (formerly Invitae), Labcorp); PubMed 23211637 (cited by Labcorp Genetics (formerly Invitae), Labcorp); PubMed 25046119 (cited by Labcorp Genetics (formerly Invitae), Labcorp); PubMed 26029706 (cited by Labcorp Genetics (formerly Invitae), Labcorp).